The following is an entry in ClinVar:

NM_020549.5(CHAT):c.743_744dup (p.Leu249fs)

Gene: CHAT (choline O-acetyltransferase; plus strand). Cytogenetic location: 10q11.23.
Variant type: Duplication.
Coding change: c.743_744dup on transcript NM_020549.5 (MANE Select); coding-DNA positions 743 to 744, 2 bases duplicated (TG; older notation c.743_744dupTG).
Protein change: p.Leu249fs; shifts the reading frame from leucine 249.
Molecular consequence: frameshift variant.
Genome position (GRCh38, 1-based): chr10:49,622,141-49,622,142, TG duplicated. VCF-style (leftmost placement, unchanged base first): chr10-49622140-C-CTG. GRCh37 (hg19) VCF-style: chr10-50830186-C-CTG.
Other names: c.389_390dup, p.Leu131fs (NM_001142929.2, NM_001142934.2, NM_020984.4 and 2 more transcripts); c.497_498dup, p.Leu167fs (NM_001142933.2); short protein forms L131fs, L249fs, L167fs.
Identifiers: ClinVar variation 3641190 (VCV003641190.2).

ClinVar aggregate classification (germline): Pathogenic (1 of 4 stars; one submission).

Conditions:
Familial infantile myasthenia (CMS6). Also called: Congenital myasthenic syndrome type 6; MYASTHENIC SYNDROME, PRESYNAPTIC, CONGENITAL, ASSOCIATED WITH EPISODIC APNEA; MYASTHENIC SYNDROME, CONGENITAL, 6, PRESYNAPTIC. Identifiers: Orphanet 590, MedGen C0393929, MONDO:0009689, OMIM 254210.

Submission:

Labcorp Genetics (formerly Invitae), Labcorp
Classification: Pathogenic for Familial infantile myasthenia. Last evaluated: 2024-02-16. Review status: criteria provided, single submitter. Criteria: Invitae Variant Classification Sherloc (09022015). Collection method: clinical testing. Allele origin: germline.
Comment: This sequence change creates a premature translational stop signal (p.Leu249Cysfs*23) in the CHAT gene. It is expected to result in an absent or disrupted protein product. Loss-of-function variants in CHAT are known to be pathogenic (PMID: 12548525, 21786365, 23292760). This variant is not present in population databases (gnomAD no frequency). This variant has not been reported in the literature in individuals affected with CHAT-related conditions. For these reasons, this variant has been classified as Pathogenic.

Literature cited by the submitters: PubMed 12548525; PubMed 21786365; PubMed 23292760.